The following is an entry in ClinVar:

ClinVar aggregate classification (germline): Uncertain significance (1 of 4 stars; one submission).

Conditions:
Neuromuscular disease caused by qualitative or quantitative defects of dysferlin. Also called: Dysferlinopathy; Qualitative or quantitative defects of dysferlin. Identifiers: Orphanet 207073, MedGen C2931687, MONDO:0016145.

Allele frequency attached by ClinVar (database versions not stated): gnomAD exomes below 0.00001; TOPMed 0.00003.
gnomAD v4.1: 1 of 1,613,760 alleles (0.000062%); highest among the groups gnomAD compares: East Asian, 0.0022%; no homozygotes.

Submission:

Labcorp Genetics (formerly Invitae), Labcorp
Classification: Uncertain significance for Neuromuscular disease caused by qualitative or quantitative defects of dysferlin. Last evaluated: 2022-10-13. Review status: criteria provided, single submitter. Criteria: Invitae Variant Classification Sherloc (09022015). Collection method: clinical testing. Allele origin: germline.
Comment: This sequence change replaces threonine, which is neutral and polar, with alanine, which is neutral and non-polar, at codon 154 of the DYSF protein (p.Thr154Ala). This variant is not present in population databases (gnomAD no frequency). This variant has not been reported in the literature in individuals affected with DYSF-related conditions. ClinVar contains an entry for this variant (Variation ID: 1416424). Algorithms developed to predict the effect of missense changes on protein structure and function are either unavailable or do not agree on the potential impact of this missense change (SIFT: "Deleterious"; PolyPhen-2: "Benign"; Align-GVGD: "Class C0"). In summary, the available evidence is currently insufficient to determine the role of this variant in disease. Therefore, it has been classified as a Variant of Uncertain Significance.

NM_001130987.2(DYSF):c.556A>G (p.Thr186Ala)

Gene: DYSF (dysferlin; plus strand). Cytogenetic location: 2p13.2.
Variant type: single nucleotide variant.
Coding change: c.556A>G on transcript NM_001130987.2 (MANE Select); coding-DNA position 556, A replaced by G.
Protein change: p.Thr186Ala; replaces threonine 186 with alanine.
Molecular consequence: missense variant.
Genome position (GRCh38, 1-based): chr2:71,513,718, A>G. VCF-style: chr2-71513718-A-G. GRCh37 (hg19) VCF-style: chr2-71740848-A-G.
Other names: c.463A>G, p.Thr155Ala (NM_001130455.2, NM_001130983.2, NM_001130984.2 and 1 more transcripts); c.460A>G, p.Thr154Ala (NM_001130976.2, NM_001130977.2, NM_001130978.2 and 1 more transcripts); c.553A>G, p.Thr185Ala (NM_001130979.2, NM_001130980.2, NM_001130981.2); c.556A>G, p.Thr186Ala (NM_001130982.2, NM_001130985.2); short protein forms T155A, T185A, T154A, T186A.
Identifiers: ClinVar variation 1416424 (VCV001416424.5), dbSNP rs977005248, ClinGen allele CA49758502.